The following is an entry in ClinVar:

NM_001277115.2(DNAH11):c.5132A>G (p.Gln1711Arg)

Gene: DNAH11 (dynein axonemal heavy chain 11; plus strand). Cytogenetic location: 7p15.3.
Variant type: single nucleotide variant.
Coding change: c.5132A>G on transcript NM_001277115.2 (MANE Select); coding-DNA position 5132, A replaced by G.
Protein change: p.Gln1711Arg; replaces glutamine 1711 with arginine.
Molecular consequence: missense variant.
Genome position (GRCh38, 1-based): chr7:21,658,835, A>G. VCF-style: chr7-21658835-A-G. GRCh37 (hg19) VCF-style: chr7-21698453-A-G.
Other names: c.5147A>G (NM_003777.3); short protein forms Q1711R.
Identifiers: ClinVar variation 219477 (VCV000219477.63), dbSNP rs189432084, ClinGen allele CA349577.
Genomic context (GRCh38, chr7:21,658,835, plus strand): 5'-AACATTTCAACTTGCTTCCAAAGGTGGAAACATGGCTTCTGCAACTTGAACAGACTATGC[A>G]AGAAACGGTGCGTCATTCTATAACAGAAGCCATAGTGGCCTACGAGGAAAAACCTAGGGA-3'
Protein context (NP_001264044.1, residues 1701-1721): TWLLQLEQTM[Gln1711Arg]ETVRHSITEA

ClinVar aggregate classification (germline): Benign/Likely benign. Review status: criteria provided, multiple submitters, no conflicts (2 of 4 stars). 6 submissions from 6 submitters: Benign (1); Likely benign (4). 1 of the submissions does not count toward it. Last evaluated 2026-01-13.

Conditions:
DNAH11-related disorder. Also called: DNAH11-related condition.
Primary ciliary dyskinesia. Also called: Ciliary dyskinesia. Identifiers: Orphanet 244, MedGen C0008780, MONDO:0016575, HP:0012265.

Allele frequency attached by ClinVar (database versions not stated): gnomAD 0.00031; TOPMed 0.00038; gnomAD exomes 0.00053; ESP Exome Variant Server 0.00067; 1000 Genomes Project 0.00120; ExAC 0.00123; 1000 Genomes Project 30x 0.00141.
gnomAD v4.1: 718 of 1,600,310 alleles (0.045%); highest among the groups gnomAD compares: Middle Eastern, 1.1%; 3 homozygotes.

Submissions (6):

Labcorp Genetics (formerly Invitae), Labcorp
Classification: Likely benign for Primary ciliary dyskinesia. Last evaluated: 2026-01-13. Review status: criteria provided, single submitter. Criteria: Invitae Variant Classification Sherloc (09022015). Collection method: clinical testing. Allele origin: germline.

CeGaT Center for Human Genetics Tuebingen
Classification: Likely benign. Last evaluated: 2025-09-01. Review status: criteria provided, single submitter. Criteria: CeGaT Center For Human Genetics Tuebingen Variant Classification Criteria Version 2. Collection method: clinical testing. Allele origin: germline. Affected: yes. Observed: 2 variant alleles.
Comment: DNAH11: BP4, BS2

Blueprint Genetics
Classification: Likely benign. Last evaluated: 2024-11-11. Review status: criteria provided, single submitter. Criteria: ACMG Guidelines, 2015. Collection method: clinical testing. Allele origin: germline.

Laboratory for Molecular Medicine, Mass General Brigham Personalized Medicine
Classification: Likely benign. Last evaluated: 2017-04-03. Review status: criteria provided, single submitter. Criteria: LMM Criteria. Collection method: clinical testing. Allele origin: germline. Observed: 1 variant allele.
Comment: p.Gln1711Arg in exon 30 of DNAH11: This variant is not expected to have clinical significance due to a lack of conservation across species, including mammals. O f note, shrew, tenrec, and platypus have an arginine (Arg) at this position desp ite high nearby amino acid conservation. In addition, computational prediction t ools do not suggest a high likelihood of impact to the protein. It has also been identified in 0.2% (48/26256) of European chromosomes by the Exome Aggregation Consortium (ExAC; dbSNP rs189432084).

Ambry Genetics
Classification: Benign for Primary ciliary dyskinesia. Last evaluated: 2015-01-12. Review status: criteria provided, single submitter. Criteria: Ambry General Variant Classification Scheme_2022. Collection method: clinical testing. Allele origin: germline. Observed: 1 variant allele.

PreventionGenetics, part of Exact Sciences
Classification: Uncertain significance for DNAH11-related condition. Last evaluated: 2023-12-04. Review status: no assertion criteria provided. Collection method: clinical testing. Allele origin: germline. Not counted in ClinVar's aggregate classification.
Comment: The DNAH11 c.5132A>G variant is predicted to result in the amino acid substitution p.Gln1711Arg. This variant has been reported along with additional DNAH11 variants in individuals with primary ciliary dyskinesia (Table 4, Sherman et al. 2020. PubMed ID: 32662935; Alsamri et al. 2021. PubMed ID: 34768622). This variant is reported in 0.081% of alleles in individuals of Ashkenazi Jewish descent in gnomAD. At this time, the clinical significance of this variant is uncertain due to the absence of conclusive functional and genetic evidence.